The following is an entry in ClinVar:

NM_152353.3(CLDND2):c.429G>A (p.Ala143=)

Gene: CLDND2 (claudin domain containing 2; minus strand). Cytogenetic location: 19q13.41.
Variant type: single nucleotide variant.
Coding change: c.429G>A on transcript NM_152353.3 (MANE Select); coding-DNA position 429, G replaced by A.
Protein change: p.Ala143=; no amino-acid change (alanine 143 retained).
Molecular consequence: synonymous variant.
Genome position (GRCh38, 1-based): chr19:51,367,458, C>T on the plus strand (G>A on the coding strand, the complement: CLDND2 is on the minus strand). VCF-style: chr19-51367458-C-T. GRCh37 (hg19) VCF-style: chr19-51870712-C-T.
Other names: NC_000019.9:g.51870712C>T.
Identifiers: ClinVar variation 2650373 (VCV002650373.25), dbSNP rs143501994, ClinGen allele CA9611052.

ClinVar aggregate classification (germline): Benign (1 of 4 stars; one submission).

Allele frequency attached by ClinVar (database versions not stated): TOPMed 0.00156; ESP Exome Variant Server 0.00169; gnomAD 0.00180; 1000 Genomes Project 30x 0.00250; 1000 Genomes Project 0.00260; gnomAD exomes 0.00334; ExAC 0.00569.
gnomAD v4.1: 5,053 of 1,597,596 alleles (0.32%); highest among the groups gnomAD compares: South Asian, 1%; 21 homozygotes.

Submissions (11):

CeGaT Center for Human Genetics Tuebingen
Classification: Benign. Last evaluated: 2023-07-01. Review status: criteria provided, single submitter. Criteria: CeGaT Center For Human Genetics Tuebingen Variant Classification Criteria Version 2. Collection method: clinical testing. Allele origin: germline. Affected: yes. Observed: 3 variant alleles.
Comment: CLDND2: PP3, BS1, BS2

Dr. Peter K. Rogan Lab, Western University
No classification provided (evidence only). Condition: Clear cell carcinoma of kidney. Review status: no classification provided. Collection method: in vitro. Allele origin: not applicable. Functional consequence: retained intron. Not counted in ClinVar's aggregate classification.

Dr. Peter K. Rogan Lab, Western University
No classification provided (evidence only). Condition: Lung cancer. Review status: no classification provided. Collection method: in vitro. Allele origin: not applicable. Functional consequence: retained intron. Not counted in ClinVar's aggregate classification.

Dr. Peter K. Rogan Lab, Western University
No classification provided (evidence only). Condition: Melanoma. Review status: no classification provided. Collection method: in vitro. Allele origin: not applicable. Functional consequence: retained intron. Not counted in ClinVar's aggregate classification.

Dr. Peter K. Rogan Lab, Western University
No classification provided (evidence only). Condition: Familial cancer of breast. Review status: no classification provided. Collection method: in vitro. Allele origin: not applicable. Functional consequence: retained intron. Not counted in ClinVar's aggregate classification.

Dr. Peter K. Rogan Lab, Western University
No classification provided (evidence only). Condition: Familial cancer of breast. Review status: no classification provided. Collection method: in vitro. Allele origin: not applicable. Functional consequence: retained intron. Not counted in ClinVar's aggregate classification.

Dr. Peter K. Rogan Lab, Western University
No classification provided (evidence only). Condition: Thyroid cancer, nonmedullary, 1. Review status: no classification provided. Collection method: in vitro. Allele origin: not applicable. Functional consequence: retained intron. Not counted in ClinVar's aggregate classification.

Dr. Peter K. Rogan Lab, Western University
No classification provided (evidence only). Condition: Uterine corpus endometrial carcinoma. Review status: no classification provided. Collection method: in vitro. Allele origin: not applicable. Functional consequence: retained intron. Not counted in ClinVar's aggregate classification.

Dr. Peter K. Rogan Lab, Western University
No classification provided (evidence only). Condition: Uterine corpus endometrial carcinoma. Review status: no classification provided. Collection method: in vitro. Allele origin: not applicable. Functional consequence: retained intron. Not counted in ClinVar's aggregate classification.

Dr. Peter K. Rogan Lab, Western University
No classification provided (evidence only). Condition: Cervical cancer. Review status: no classification provided. Collection method: in vitro. Allele origin: not applicable. Functional consequence: retained intron. Not counted in ClinVar's aggregate classification.

Dr. Peter K. Rogan Lab, Western University
No classification provided (evidence only). Condition: Malignant lymphoma, large B-cell, diffuse. Review status: no classification provided. Collection method: in vitro. Allele origin: not applicable. Functional consequence: retained intron. Not counted in ClinVar's aggregate classification.